The following is an entry in ClinVar:

ClinVar aggregate classification (germline): Likely pathogenic (1 of 4 stars; one submission).

Conditions:
Nemaline myopathy 2 (NEM2). Also called: Nemaline myopathy 2, autosomal recessive. Identifiers: MedGen C1850569, MONDO:0009725, OMIM 256030.

Submission:

Labcorp Genetics (formerly Invitae), Labcorp
Classification: Likely pathogenic for Nemaline myopathy 2. Last evaluated: 2023-05-20. Review status: criteria provided, single submitter. Criteria: Invitae Variant Classification Sherloc (09022015). Collection method: clinical testing. Allele origin: germline.
Comment: In summary, the currently available evidence indicates that the variant is pathogenic, but additional data are needed to prove that conclusively. Therefore, this variant has been classified as Likely Pathogenic. Algorithms developed to predict the effect of sequence changes on RNA splicing suggest that this variant may disrupt the consensus splice site. This variant has not been reported in the literature in individuals affected with NEB-related conditions. This variant is not present in population databases (gnomAD no frequency). This sequence change affects an acceptor splice site in intron 181 of the NEB gene. It is expected to disrupt RNA splicing. Variants that disrupt the donor or acceptor splice site typically lead to a loss of protein function (PMID: 16199547), and loss-of-function variants in NEB are known to be pathogenic (PMID: 25205138).

Literature cited by the submitters: PubMed 16199547; PubMed 25205138.

NM_001164508.2(NEB):c.25298-2A>G

Genes: NEB (nebulin; minus strand), RIF1 (replication timing regulatory factor 1; plus strand). Cytogenetic location: 2q23.3.
Variant type: single nucleotide variant.
Coding change: c.25298-2A>G on transcript NM_001164508.2 (MANE Select); the canonical splice acceptor site of the intron before coding-DNA position 25298, A replaced by G.
Molecular consequence: splice acceptor variant.
Genome position (GRCh38, 1-based): chr2:151,490,079, T>C on the plus strand (A>G on the coding strand, the complement: NEB is on the minus strand). VCF-style: chr2-151490079-T-C. GRCh37 (hg19) VCF-style: chr2-152346593-T-C.
Other names: c.19730-2A>G (NM_004543.5); c.25298-2A>G (NM_001164507.2); c.25403-2A>G (NM_001271208.2).
Identifiers: ClinVar variation 3016456 (VCV003016456.3), dbSNP rs2551647849, ClinGen allele CA348770886.
Genomic context (GRCh38, chr2:151,490,079, plus strand): 5'-GGTAGCAACTGAAGATGATCGTTGTTGTGGGAGCTCTGTGGTTTTTGCATGTTTGTAAGC[T>C]GAAAAAAAGGGGGCAAATTCTTTATAAGAAGAAAAATGGCTAGGTATCCTTTAATCTGTG-3'